The following is an entry in ClinVar:

ClinVar aggregate classification (germline): Uncertain significance (1 of 4 stars; one submission).

Submission:

Labcorp Genetics (formerly Invitae), Labcorp
Classification: Uncertain significance. Last evaluated: 2025-07-30. Review status: criteria provided, single submitter. Criteria: Invitae Variant Classification Sherloc (09022015). Collection method: clinical testing. Allele origin: germline.
Comment: This sequence change replaces asparagine, which is neutral and polar, with aspartic acid, which is acidic and polar, at codon 97 of the GANAB protein (p.Asn97Asp). This variant is not present in population databases (gnomAD no frequency). This variant has not been reported in the literature in individuals affected with GANAB-related conditions. ClinVar contains an entry for this variant (Variation ID: 3650871). Invitae Evidence Modeling of protein sequence and biophysical properties (such as structural, functional, and spatial information, amino acid conservation, physicochemical variation, residue mobility, and thermodynamic stability) indicates that this missense variant is not expected to disrupt GANAB protein function with a negative predictive value of 80%. In summary, the available evidence is currently insufficient to determine the role of this variant in disease. Therefore, it has been classified as a Variant of Uncertain Significance.

NM_198334.3(GANAB):c.289A>G (p.Asn97Asp)

Gene: GANAB (glucosidase II alpha subunit; minus strand). Cytogenetic location: 11q12.3.
Variant type: single nucleotide variant.
Coding change: c.289A>G on transcript NM_198334.3 (MANE Select); coding-DNA position 289, A replaced by G.
Protein change: p.Asn97Asp; replaces asparagine 97 with aspartic acid.
Molecular consequence: missense variant. On other transcripts: 5 prime UTR variant (5), intron variant (2).
Genome position (GRCh38, 1-based): chr11:62,639,074, T>C on the plus strand (A>G on the coding strand, the complement: GANAB is on the minus strand). VCF-style: chr11-62639074-T-C. GRCh37 (hg19) VCF-style: chr11-62406546-T-C.
Other names: c.-3A>G (NM_001278194.2, NM_001329222.2, NM_001329223.2); c.-488A>G (NM_001329224.2, NM_001329225.2); c.289A>G, p.Asn97Asp (NM_198335.4); c.39-4074A>G (NM_001278193.2, NM_001278192.2); short protein forms N97D.
Identifiers: ClinVar variation 3650871 (VCV003650871.2).
Genomic context (GRCh38, chr11:62,639,074, plus strand): 5'-CTGGTACACGGTATCGGGGTCGCCGAGGCTCCAGCTCATCAATCCTGAACCGAGTCATGT[T>C]CTTTTGAAGCCCCTGAAGCTCTAGCACCAGCAACACCTGCGGGGACAGAGGTTTGGATCT-3'
Protein context (NP_938148.1, residues 87-107): LVLELQGLQK[Asn97Asp]MTRFRIDELE